The following is an entry in ClinVar:

NM_001042492.3(NF1):c.962C>A (p.Ala321Glu)

Gene: NF1 (neurofibromin 1; plus strand). Cytogenetic location: 17q11.2.
Variant type: single nucleotide variant.
Coding change: c.962C>A on transcript NM_001042492.3 (MANE Select); coding-DNA position 962, C replaced by A.
Protein change: p.Ala321Glu; replaces alanine 321 with glutamic acid.
Molecular consequence: missense variant.
Genome position (GRCh38, 1-based): chr17:31,200,495, C>A. VCF-style: chr17-31200495-C-A. GRCh37 (hg19) VCF-style: chr17-29527513-C-A.
Other names: c.962C>A, p.Ala321Glu (NM_000267.4, NM_001128147.3); short protein forms A321E.
Identifiers: ClinVar variation 4800710 (VCV004800710.1).

ClinVar aggregate classification (germline): Uncertain significance (1 of 4 stars; one submission).

Conditions:
Neurofibromatosis, type 1 (NF1). Also called: VON RECKLINGHAUSEN DISEASE; Neurofibromatosis, type I; NEUROFIBROMATOSIS, TYPE I, SOMATIC; Peripheral type neurofibromatosis. Identifiers: Orphanet 636, MedGen C0027831, MONDO:0018975, OMIM 162200. Disease mechanism: loss of function.

Submission:

Labcorp Genetics (formerly Invitae), Labcorp
Classification: Uncertain significance for Neurofibromatosis, type 1. Last evaluated: 2025-10-07. Review status: criteria provided, single submitter. Criteria: Invitae Variant Classification Sherloc (09022015). Collection method: clinical testing. Allele origin: germline.
Comment: This sequence change replaces alanine, which is neutral and non-polar, with glutamic acid, which is acidic and polar, at codon 321 of the NF1 protein (p.Ala321Glu). This variant is not present in population databases (gnomAD no frequency). This variant has not been reported in the literature in individuals affected with NF1-related conditions. Invitae Evidence Modeling of protein sequence and biophysical properties (such as structural, functional, and spatial information, amino acid conservation, physicochemical variation, residue mobility, and thermodynamic stability) indicates that this missense variant is expected to disrupt NF1 protein function with a positive predictive value of 95%. In summary, the available evidence is currently insufficient to determine the role of this variant in disease. Therefore, it has been classified as a Variant of Uncertain Significance.